The following is an entry in ClinVar:

NM_002240.5(KCNJ6):c.868T>C (p.Trp290Arg)

Genes: KCNJ6 (potassium inwardly rectifying channel subfamily J member 6; minus strand), KCNJ6-AS1 (KCNJ6 antisense RNA 1; plus strand). Cytogenetic location: 21q22.13.
Variant type: single nucleotide variant.
Coding change: c.868T>C on transcript NM_002240.5 (MANE Select); coding-DNA position 868, T replaced by C.
Protein change: p.Trp290Arg; replaces tryptophan 290 with arginine.
Molecular consequence: missense variant. On other transcripts: non-coding transcript variant (1).
Genome position (GRCh38, 1-based): chr21:37,714,289, A>G on the plus strand (T>C on the coding strand, the complement: KCNJ6 is on the minus strand). VCF-style: chr21-37714289-A-G. GRCh37 (hg19) VCF-style: chr21-39086592-A-G.
Other names: short protein forms W290R.
Identifiers: ClinVar variation 4291128 (VCV004291128.2).

ClinVar aggregate classification (germline): Uncertain significance (1 of 4 stars; one submission).

Conditions:
Keppen-Lubinsky syndrome (KPLBS). Identifiers: Orphanet 435628, MedGen C3279800, MONDO:0013572, OMIM 614098.

Submission:

Institute of Human Genetics, University of Leipzig Medical Center
Classification: Uncertain significance for Keppen-Lubinsky syndrome. Last evaluated: 2025-09-01. Review status: criteria provided, single submitter. Criteria: ACMG Guidelines, 2015. Collection method: clinical testing. Allele origin: maternal. Inheritance: Autosomal dominant inheritance. Affected: yes.
Comment: Criteria applied: PM2,PP2,PP3